The following is an entry in ClinVar:

ClinVar aggregate classification (germline): Uncertain significance (1 of 4 stars; one submission).

Conditions:
Hypertrophic cardiomyopathy. Also called: HYPERTROPHIC MYOCARDIOPATHY. Identifiers: Orphanet 217569, MedGen C0007194, MeSH D002312, MONDO:0005045, HP:0001639.

Submission:

Labcorp Genetics (formerly Invitae), Labcorp
Classification: Uncertain significance for Hypertrophic cardiomyopathy. Last evaluated: 2025-06-09. Review status: criteria provided, single submitter. Criteria: Invitae Variant Classification Sherloc (09022015). Collection method: clinical testing. Allele origin: germline.
Comment: This sequence change replaces leucine, which is neutral and non-polar, with valine, which is neutral and non-polar, at codon 1681 of the MYH7 protein (p.Leu1681Val). This variant is not present in population databases (gnomAD no frequency). This variant has not been reported in the literature in individuals affected with MYH7-related conditions. Invitae Evidence Modeling of protein sequence and biophysical properties (such as structural, functional, and spatial information, amino acid conservation, physicochemical variation, residue mobility, and thermodynamic stability) indicates that this missense variant is expected to disrupt MYH7 protein function with a positive predictive value of 95%. In summary, the available evidence is currently insufficient to determine the role of this variant in disease. Therefore, it has been classified as a Variant of Uncertain Significance.

NM_000257.4(MYH7):c.5041C>G (p.Leu1681Val)

Genes: MHRT (myosin heavy chain associated RNA transcript; plus strand), MYH7 (myosin heavy chain 7; minus strand), LOC126861897 (BRD4-independent group 4 enhancer GRCh37_chr14:23884455-23885654; plus strand). Cytogenetic location: 14q11.2.
Variant type: single nucleotide variant.
Coding change: c.5041C>G on transcript NM_000257.4 (MANE Select); coding-DNA position 5041, C replaced by G.
Protein change: p.Leu1681Val; replaces leucine 1681 with valine.
Molecular consequence: missense variant. On other transcripts: non-coding transcript variant (1).
Genome position (GRCh38, 1-based): chr14:23,415,745, G>C on the plus strand (C>G on the coding strand, the complement: MYH7 is on the minus strand). VCF-style: chr14-23415745-G-C. GRCh37 (hg19) VCF-style: chr14-23884954-G-C.
Other names: c.5041C>G, p.Leu1681Val (NM_001407004.1); short protein forms L1681V.
Identifiers: ClinVar variation 4801915 (VCV004801915.1).